The following is an entry in ClinVar:

ClinVar aggregate classification (germline): Uncertain significance. Review status: criteria provided, multiple submitters, no conflicts (2 of 4 stars). 2 submissions from 2 submitters: Uncertain significance (2). Last evaluated 2021-07-22.

Allele frequency attached by ClinVar (database versions not stated): gnomAD exomes 0.00001.
gnomAD v4.1: 3 of 1,614,026 alleles (0.00019%); highest among the groups gnomAD compares: Admixed American, 0.0033%; no homozygotes.

Submissions (2):

Labcorp Genetics (formerly Invitae), Labcorp
Classification: Uncertain significance. Last evaluated: 2021-07-22. Review status: criteria provided, single submitter. Criteria: Invitae Variant Classification Sherloc (09022015). Collection method: clinical testing. Allele origin: germline.
Comment: Advanced modeling of protein sequence and biophysical properties (such as structural, functional, and spatial information, amino acid conservation, physicochemical variation, residue mobility, and thermodynamic stability) performed at Invitae indicates that this missense variant is not expected to disrupt COL9A1 protein function. In summary, the available evidence is currently insufficient to determine the role of this variant in disease. Therefore, it has been classified as a Variant of Uncertain Significance. This variant has not been reported in the literature in individuals with COL9A1-related conditions. This variant is not present in population databases (ExAC no frequency). This sequence change replaces arginine with serine at codon 189 of the COL9A1 protein (p.Arg189Ser). The arginine residue is highly conserved and there is a moderate physicochemical difference between arginine and serine.

GeneDx
Classification: Uncertain significance. Last evaluated: 2019-04-15. Review status: criteria provided, single submitter. Criteria: GeneDx Variant Classification Process June 2021. Collection method: clinical testing. Allele origin: germline. Affected: yes.
Comment: Not observed at a significant frequency in large population cohorts (Lek et al., 2016); In silico analysis, which includes protein predictors and evolutionary conservation, supports that this variant does not alter protein structure/function; Has not been previously published as pathogenic or benign to our knowledge

NM_001851.6(COL9A1):c.567G>T (p.Arg189Ser)

Gene: COL9A1 (collagen type IX alpha 1 chain; minus strand). Cytogenetic location: 6q13.
Variant type: single nucleotide variant.
Coding change: c.567G>T on transcript NM_001851.6 (MANE Select); coding-DNA position 567, G replaced by T.
Protein change: p.Arg189Ser; replaces arginine 189 with serine.
Molecular consequence: missense variant.
Genome position (GRCh38, 1-based): chr6:70,294,296, C>A on the plus strand (G>T on the coding strand, the complement: COL9A1 is on the minus strand). VCF-style: chr6-70294296-C-A. GRCh37 (hg19) VCF-style: chr6-71003999-C-A.
Other names: c.567G>T, p.Arg189Ser (NM_001377291.1); short protein forms R189S.
Identifiers: ClinVar variation 1315653 (VCV001315653.7), dbSNP rs1296736202, ClinGen allele CA364670901.